The following is an entry in ClinVar:

ClinVar aggregate classification (germline): Uncertain significance (1 of 4 stars; one submission).

Allele frequency attached by ClinVar (database versions not stated): gnomAD exomes below 0.00001; ExAC 0.00001; TOPMed 0.00003; 1000 Genomes Project 30x 0.00016; 1000 Genomes Project 0.00020.
gnomAD v4.1: 6 of 1,612,810 alleles (0.00037%); highest among the groups gnomAD compares: Non-Finnish European, 0.00051%; no homozygotes.

Submission:

GeneDx
Classification: Uncertain significance. Last evaluated: 2023-03-27. Review status: criteria provided, single submitter. Criteria: GeneDx Variant Classification Process June 2021. Collection method: clinical testing. Allele origin: germline. Affected: yes.
Comment: Not observed at significant frequency in large population cohorts (gnomAD); In silico analysis supports that this missense variant has a deleterious effect on protein structure/function; Has not been previously published as pathogenic or benign to our knowledge

NM_006947.4(SRP72):c.949A>G (p.Thr317Ala)

Gene: SRP72 (signal recognition particle 72; plus strand). Cytogenetic location: 4q12.
Variant type: single nucleotide variant.
Coding change: c.949A>G on transcript NM_006947.4 (MANE Select); coding-DNA position 949, A replaced by G.
Protein change: p.Thr317Ala; replaces threonine 317 with alanine.
Molecular consequence: missense variant. On other transcripts: non-coding transcript variant (1).
Genome position (GRCh38, 1-based): chr4:56,483,262, A>G. VCF-style: chr4-56483262-A-G. GRCh37 (hg19) VCF-style: chr4-57349428-A-G.
Other names: c.766A>G, p.Thr256Ala (NM_001267722.2); short protein forms T256A, T317A.
Identifiers: ClinVar variation 2581807 (VCV002581807.1), dbSNP rs187131645, ClinGen allele CA2931219.